The following is an entry in ClinVar:

ClinVar aggregate classification (germline): Uncertain significance (1 of 4 stars; one submission).

gnomAD v4.1: 9 of 1,595,200 alleles (0.00056%); highest among the groups gnomAD compares: East Asian, 0.009%; no homozygotes.

Submission:

Labcorp Genetics (formerly Invitae), Labcorp
Classification: Uncertain significance. Last evaluated: 2025-07-27. Review status: criteria provided, single submitter. Criteria: Invitae Variant Classification Sherloc (09022015). Collection method: clinical testing. Allele origin: germline.
Comment: This sequence change replaces proline, which is neutral and non-polar, with serine, which is neutral and polar, at codon 477 of the MYLK3 protein (p.Pro477Ser). This variant is present in population databases (rs564847306, gnomAD 0.02%). This variant has not been reported in the literature in individuals affected with MYLK3-related conditions. An algorithm developed to predict the effect of missense changes on protein structure and function outputs the following: PolyPhen-2: "Benign". The serine amino acid residue is found in multiple mammalian species, which suggests that this missense change does not adversely affect protein function. In summary, the available evidence is currently insufficient to determine the role of this variant in disease. Therefore, it has been classified as a Variant of Uncertain Significance.

NM_182493.3(MYLK3):c.1429C>T (p.Pro477Ser)

Gene: MYLK3 (myosin light chain kinase 3; minus strand). Cytogenetic location: 16q11.2.
Variant type: single nucleotide variant.
Coding change: c.1429C>T on transcript NM_182493.3 (MANE Select); coding-DNA position 1429, C replaced by T.
Protein change: p.Pro477Ser; replaces proline 477 with serine.
Molecular consequence: missense variant.
Genome position (GRCh38, 1-based): chr16:46,732,241, G>A on the plus strand (C>T on the coding strand, the complement: MYLK3 is on the minus strand). VCF-style: chr16-46732241-G-A. GRCh37 (hg19) VCF-style: chr16-46766153-G-A.
Other names: c.406C>T, p.Pro136Ser (NM_001308301.1); short protein forms P136S, P477S.
Identifiers: ClinVar variation 4747717 (VCV004747717.1).